The following is an entry in ClinVar:

ClinVar aggregate classification (germline): Pathogenic/Likely pathogenic. Review status: criteria provided, multiple submitters, no conflicts (2 of 4 stars). 7 submissions from 7 submitters: Pathogenic (5); Likely pathogenic (1). 1 of the submissions does not count toward it. Last evaluated 2024-12-30.

Conditions:
Congenital hyperammonemia, type I. Also called: Carbamoyl phosphate synthetase 1 deficiency; Hyperammonemia due to carbamoyl phosphate synthetase 1 deficiency; CPS 1 deficiency; Carbamyl phosphate synthetase (CPS) deficiency; Carbamoyl-phosphate synthase I deficiency; Carbamoyl phosphate synthetase I deficiency disease. Identifiers: Orphanet 147, MedGen C4082171, MONDO:0009376, OMIM 237300.
Pulmonary hypertension, neonatal, susceptibility to (PHN). Identifiers: MedGen C3714958, MONDO:0014151, OMIM 615371.

Allele frequency attached by ClinVar (database versions not stated): TOPMed below 0.00001.
gnomAD v4.1: 1 of 1,612,330 alleles (0.000062%); highest among the groups gnomAD compares: Non-Finnish European, 0.000085%; no homozygotes.

Submissions (7):

Natera, Inc.
Classification: Likely pathogenic for Carbamoyl-phosphate synthase I deficiency. Last evaluated: 2024-12-30. Review status: criteria provided, single submitter. Criteria: Natera Variant Classification Schema (03/2026). Collection method: clinical testing. Allele origin: germline.
Comment: The c.2161C>T variant in CPS1 is a nonsense variant predicted to introduce a stop codon at amino acid 721. This variant is expected to result in nonsense mediated decay, truncation, or a dysfunctional protein product. This variant is rare in the general population with a frequency below the threshold expected for the associated phenotype(s). Given the available evidence, this variant is classified as Likely Pathogenic.

Labcorp Genetics (formerly Invitae), Labcorp
Classification: Pathogenic for Congenital hyperammonemia, type I. Last evaluated: 2024-08-12. Review status: criteria provided, single submitter. Criteria: Invitae Variant Classification Sherloc (09022015). Collection method: clinical testing. Allele origin: germline.
Comment: This sequence change creates a premature translational stop signal (p.Arg721*) in the CPS1 gene. It is expected to result in an absent or disrupted protein product. Loss-of-function variants in CPS1 are known to be pathogenic (PMID: 21120950). This variant is present in population databases (rs202107577, gnomAD 0.003%). This premature translational stop signal has been observed in individual(s) with carbamylphosphate synthetase 1 deficiency (PMID: 12655559). ClinVar contains an entry for this variant (Variation ID: 554027). For these reasons, this variant has been classified as Pathogenic.

Baylor Genetics
Classification: Pathogenic for Pulmonary hypertension, neonatal, susceptibility to. Last evaluated: 2023-05-14. Review status: criteria provided, single submitter. Criteria: ACMG Guidelines, 2015. Collection method: clinical testing. Allele origin: unknown.

Women's Health and Genetics/Laboratory Corporation of America, LabCorp
Classification: Pathogenic for Congenital hyperammonemia, type I. Last evaluated: 2021-02-01. Review status: criteria provided, single submitter. Criteria: LabCorp Variant Classification Summary - May 2015. Collection method: clinical testing. Allele origin: germline.
Comment: Variant summary: CPS1 c.2161C>T (p.Arg721X) results in a premature termination codon, predicted to cause a truncation of the encoded protein or absence of the protein due to nonsense mediated decay, which are commonly known mechanisms for disease. Truncations downstream of this position have been classified as pathogenic by our laboratory. The variant allele was found at a frequency of 4e-06 in 250250 control chromosomes (gnomAD). c.2161C>T has been reported in the literature in one individual affected with Carbamoylphosphate Synthetase I Deficiency (Haberle_2003). These data indicate that the variant is very likely to be associated with disease. To our knowledge, no experimental evidence demonstrating an impact on protein function has been reported. Three ClinVar submitters (evaluation after 2014) cite the variant as pathogenic (n=2) and likely pathogenic (n=1). Based on the evidence outlined above, the variant was classified as pathogenic.

Victorian Clinical Genetics Services, Murdoch Childrens Research Institute
Classification: Pathogenic for Congenital hyperammonemia, type I. Last evaluated: 2020-06-11. Review status: criteria provided, single submitter. Criteria: ACMG Guidelines, 2015. Collection method: clinical testing. Allele origin: germline. Inheritance: Autosomal recessive inheritance. Affected: no.
Comment: Based on the classification scheme VCGS_Germline_v1.3.2, this variant is classified as Pathogenic. Following criteria are met: 0102 - Loss of function is a known mechanism of disease in this gene and is associated with carbamoylphosphate synthetase I deficiency. (I) 0106 - This gene is associated with autosomal recessive disease. (I) 0201 - Variant is predicted to cause nonsense-mediated decay (NMD) and loss of protein (premature termination codon is located at least 54 nucleotides upstream of the final exon-exon junction) (exon 18 of 39). (SP) 0251 - This variant is heterozygous. (I) 0304 - Variant is present in gnomAD v2 <0.01 for a recessive condition (1 heterozygote. 0 homozygote). (SP) 0701 - Other NMD predicted variants comparable to the one identified in this case have very strong previous evidence for pathogenicity (ClinVar, PMID: 21120950). (SP) 0802 - This variant has moderate previous evidence of pathogenicity in unrelated individuals. This variant has been reported in three patients with congenital hyperammonemia (PMID: 12655559, ClinVar). (SP) 0905 - No published segregation evidence has been identified for this variant. (I) 1007 - No published functional evidence has been identified for this variant. (I) Legend: (SP) - Supports Pathogenic, (I) - Information

Genomic Research Center, Shahid Beheshti University of Medical Sciences
Classification: Pathogenic for Congenital hyperammonemia, type I. Last evaluated: 2019-04-27. Review status: criteria provided, single submitter. Criteria: ACMG Guidelines, 2015. Collection method: clinical testing. Allele origin: unknown. Affected: yes.

Counsyl
Classification: Likely pathogenic for Congenital hyperammonemia, type I. Last evaluated: 2017-09-24. Review status: no assertion criteria provided. Collection method: clinical testing. Allele origin: unknown. Not counted in ClinVar's aggregate classification.

Literature cited by the submitters: PubMed 21120950 (cited by 3 submitters); PubMed 12655559 (cited by 4 submitters); PubMed 20800523 (cited by Women's Health and Genetics/Laboratory Corporation of America, LabCorp); PubMed 15164414 (cited by Women's Health and Genetics/Laboratory Corporation of America, LabCorp); PubMed 31507628 (cited by Women's Health and Genetics/Laboratory Corporation of America, LabCorp); PubMed 21068339 (cited by Women's Health and Genetics/Laboratory Corporation of America, LabCorp).

NM_001875.5(CPS1):c.2161C>T (p.Arg721Ter)

Gene: CPS1 (carbamoyl-phosphate synthase 1; plus strand). Cytogenetic location: 2q34.
Variant type: single nucleotide variant.
Coding change: c.2161C>T on transcript NM_001875.5 (MANE Select); coding-DNA position 2161, C replaced by T.
Protein change: p.Arg721Ter; replaces arginine 721 with a stop codon.
Molecular consequence: nonsense. On other transcripts: non-coding transcript variant (2).
Genome position (GRCh38, 1-based): chr2:210,606,910, C>T. VCF-style: chr2-210606910-C-T. GRCh37 (hg19) VCF-style: chr2-211471634-C-T.
Other names: c.2161C>T (LRG_336t1); c.2161C>T, p.Arg721Ter (NM_001122633.3, NM_001369257.1); c.2194C>T, p.Arg732Ter (NM_001369256.1); short protein forms R721*, R732*.
Identifiers: ClinVar variation 554027 (VCV000554027.17), dbSNP rs202107577, ClinGen allele CA2086558.